The following is an entry in ClinVar:

NC_000008.10:g.(?_100205094)_(100287492_?)del

Gene: VPS13B (vacuolar protein sorting 13 homolog B; plus strand). Cytogenetic location: 8q22.2.
Variant type: Deletion.
Identifiers: ClinVar variation 1456587 (VCV001456587.4).

ClinVar aggregate classification (germline): Pathogenic (1 of 4 stars; one submission).

Conditions:
Cohen syndrome (COH1). Also called: PEPPER SYNDROME; Cutis verticis gyrata, retinitis pigmentosa, and sensorineural deafness. Identifiers: Orphanet 193, MedGen C0265223, MONDO:0008999, OMIM 216550.

Submission:

Labcorp Genetics (formerly Invitae), Labcorp
Classification: Pathogenic for Cohen syndrome. Last evaluated: 2021-11-09. Review status: criteria provided, single submitter. Criteria: Invitae Variant Classification Sherloc (09022015). Collection method: clinical testing. Allele origin: germline.
Comment: This variant has not been reported in the literature in individuals affected with VPS13B-related conditions. This variant is a gross deletion of the genomic region encompassing exon(s) 17-19 of the VPS13B gene. This deletion is out-of-frame, and is expected to create a premature termination codon and result in an absent or disrupted protein product. Loss-of-function variants in VPS13B are known to be pathogenic (PMID: 15141358, 16648375, 20461111). For these reasons, this variant has been classified as Pathogenic.

Literature cited by the submitters: PubMed 15141358; PubMed 16648375; PubMed 20461111.